The following is an entry in ClinVar:

NM_016213.5(TRIP4):c.481C>T (p.Leu161Phe)

Gene: TRIP4 (thyroid hormone receptor interactor 4; plus strand). Cytogenetic location: 15q22.31.
Variant type: single nucleotide variant.
Coding change: c.481C>T on transcript NM_016213.5 (MANE Select); coding-DNA position 481, C replaced by T.
Protein change: p.Leu161Phe; replaces leucine 161 with phenylalanine.
Molecular consequence: missense variant. On other transcripts: 5 prime UTR variant (1), non-coding transcript variant (1).
Genome position (GRCh38, 1-based): chr15:64,397,681, C>T. VCF-style: chr15-64397681-C-T. GRCh37 (hg19) VCF-style: chr15-64689880-C-T.
Other names: c.-210C>T (NM_001321924.2); c.481C>T (NM_016213.4); short protein forms L161F.
Identifiers: ClinVar variation 2147381 (VCV002147381.3), dbSNP rs754286751, ClinGen allele CA7609385.

ClinVar aggregate classification (germline): Uncertain significance. Review status: criteria provided, multiple submitters, no conflicts (2 of 4 stars). 2 submissions from 2 submitters: Uncertain significance (2). Last evaluated 2025-01-17.

Conditions:
Inborn genetic diseases. Identifiers: MedGen C0950123, MeSH D030342.

Allele frequency attached by ClinVar (database versions not stated): gnomAD 0.00001; ExAC 0.00002; gnomAD exomes 0.00002; TOPMed 0.00003.
gnomAD v4.1: 11 of 1,614,050 alleles (0.00068%); highest among the groups gnomAD compares: Admixed American, 0.017%; no homozygotes.

Submissions (2):

Ambry Genetics
Classification: Uncertain significance for Inborn genetic diseases. Last evaluated: 2025-01-17. Review status: criteria provided, single submitter. Criteria: Ambry Variant Classification Scheme 2023. Collection method: clinical testing. Allele origin: germline.

Labcorp Genetics (formerly Invitae), Labcorp
Classification: Uncertain significance. Last evaluated: 2022-07-09. Review status: criteria provided, single submitter. Criteria: Invitae Variant Classification Sherloc (09022015). Collection method: clinical testing. Allele origin: germline.
Comment: In summary, the available evidence is currently insufficient to determine the role of this variant in disease. Therefore, it has been classified as a Variant of Uncertain Significance. Algorithms developed to predict the effect of sequence changes on RNA splicing suggest that this variant may create or strengthen a splice site. Algorithms developed to predict the effect of missense changes on protein structure and function are either unavailable or do not agree on the potential impact of this missense change (SIFT: "Tolerated"; PolyPhen-2: "Probably Damaging"; Align-GVGD: "Class C0"). This variant has not been reported in the literature in individuals affected with TRIP4-related conditions. This variant is present in population databases (rs754286751, gnomAD 0.01%). This sequence change replaces leucine, which is neutral and non-polar, with phenylalanine, which is neutral and non-polar, at codon 161 of the TRIP4 protein (p.Leu161Phe).